The following is an entry in ClinVar:

NM_144643.4(SCLT1):c.1951C>T (p.Leu651Phe)

Gene: SCLT1 (sodium channel and clathrin linker 1; minus strand). Cytogenetic location: 4q28.2.
Variant type: single nucleotide variant.
Coding change: c.1951C>T on transcript NM_144643.4 (MANE Select); coding-DNA position 1951, C replaced by T.
Protein change: p.Leu651Phe; replaces leucine 651 with phenylalanine.
Molecular consequence: missense variant.
Genome position (GRCh38, 1-based): chr4:128,888,732, G>A on the plus strand (C>T on the coding strand, the complement: SCLT1 is on the minus strand). VCF-style: chr4-128888732-G-A. GRCh37 (hg19) VCF-style: chr4-129809887-G-A.
Other names: short protein forms L651F.
Identifiers: ClinVar variation 3346217 (VCV003346217.1).

ClinVar aggregate classification (germline): Uncertain significance (0 of 4 stars; one submission).

Conditions:
SCLT1-related disorder. Also called: SCLT1-related condition.

gnomAD v4.1: 1 of 1,613,280 alleles (0.000062%); highest among the groups gnomAD compares: Admixed American, 0.0017%; no homozygotes.

Submission:

PreventionGenetics, part of Exact Sciences
Classification: Uncertain significance for SCLT1-related condition. Last evaluated: 2024-08-09. Review status: no assertion criteria provided. Collection method: clinical testing. Allele origin: germline.
Comment: The SCLT1 c.1951C>T variant is predicted to result in the amino acid substitution p.Leu651Phe. To our knowledge, this variant has not been reported in the literature or in a large population database indicating this variant is rare. At this time, the clinical significance of this variant is uncertain due to the absence of conclusive functional and genetic evidence.